The following is an entry in ClinVar:

ClinVar aggregate classification (germline): Uncertain significance. Review status: criteria provided, multiple submitters, no conflicts (2 of 4 stars). 2 submissions from 2 submitters: Uncertain significance (2). Last evaluated 2026-01-05.

Conditions:
Usher syndrome type 3B. Also called: USHER SYNDROME, TYPE IIIB. Identifiers: MedGen C3281066, MONDO:0013788, OMIM 614504.

Allele frequency attached by ClinVar (database versions not stated): TOPMed 0.00001.
gnomAD v4.1: 9 of 1,614,220 alleles (0.00056%); highest among the groups gnomAD compares: Admixed American, 0.0017%; no homozygotes.

Submissions (2):

Labcorp Genetics (formerly Invitae), Labcorp
Classification: Uncertain significance for Usher syndrome type 3B. Last evaluated: 2026-01-05. Review status: criteria provided, single submitter. Criteria: Invitae Variant Classification Sherloc (09022015). Collection method: clinical testing. Allele origin: germline.
Comment: This sequence change replaces aspartic acid, which is acidic and polar, with asparagine, which is neutral and polar, at codon 371 of the HARS protein (p.Asp371Asn). This variant is not present in population databases (gnomAD no frequency). This variant has not been reported in the literature in individuals affected with HARS-related conditions. ClinVar contains an entry for this variant (Variation ID: 540199). Invitae Evidence Modeling of protein sequence and biophysical properties (such as structural, functional, and spatial information, amino acid conservation, physicochemical variation, residue mobility, and thermodynamic stability) indicates that this missense variant is not expected to disrupt HARS protein function with a negative predictive value of 80%. In summary, the available evidence is currently insufficient to determine the role of this variant in disease. Therefore, it has been classified as a Variant of Uncertain Significance.

GeneDx
Classification: Uncertain significance. Last evaluated: 2021-11-24. Review status: criteria provided, single submitter. Criteria: GeneDx Variant Classification Process June 2021. Collection method: clinical testing. Allele origin: germline. Affected: yes.
Comment: Not observed at significant frequency in large population cohorts (Lek et al., 2016); In silico analysis supports that this missense variant has a deleterious effect on protein structure/function; Has not been previously published as pathogenic or benign to our knowledge

NM_002109.6(HARS1):c.1111G>A (p.Asp371Asn)

Gene: HARS1 (histidyl-tRNA synthetase 1; minus strand). Cytogenetic location: 5q31.3.
Variant type: single nucleotide variant.
Coding change: c.1111G>A on transcript NM_002109.6 (MANE Select); coding-DNA position 1111, G replaced by A.
Protein change: p.Asp371Asn; replaces aspartic acid 371 with asparagine.
Molecular consequence: missense variant.
Genome position (GRCh38, 1-based): chr5:140,676,737, C>T on the plus strand (G>A on the coding strand, the complement: HARS1 is on the minus strand). VCF-style: chr5-140676737-C-T. GRCh37 (hg19) VCF-style: chr5-140056322-C-T.
Other names: c.991G>A, p.Asp331Asn (NM_001258040.3); c.1051G>A, p.Asp351Asn (NM_001258041.3); c.931G>A, p.Asp311Asn (NM_001258042.3); c.889G>A, p.Asp297Asn (NM_001289092.2); c.769G>A, p.Asp257Asn (NM_001289093.2); c.1024G>A, p.Asp342Asn (NM_001289094.2); short protein forms D371N, D257N, D297N, D311N, D331N, D342N, D351N.
Identifiers: ClinVar variation 540199 (VCV000540199.8), dbSNP rs753104645, ClinGen allele CA128377406.